The following is an entry in ClinVar:

NM_021728.4(OTX2):c.425C>A (p.Pro142His)

Gene: OTX2 (orthodenticle homeobox 2; minus strand). Cytogenetic location: 14q22.3.
Variant type: single nucleotide variant.
Coding change: c.425C>A on transcript NM_021728.4 (MANE Select); coding-DNA position 425, C replaced by A.
Protein change: p.Pro142His; replaces proline 142 with histidine.
Molecular consequence: missense variant. On other transcripts: non-coding transcript variant (2).
Genome position (GRCh38, 1-based): chr14:56,802,204, G>T on the plus strand (C>A on the coding strand, the complement: OTX2 is on the minus strand). VCF-style: chr14-56802204-G-T. GRCh37 (hg19) VCF-style: chr14-57268922-G-T.
Other names: c.401C>A, p.Pro134His (NM_001270523.2, NM_001270524.2, NM_172337.3); c.425C>A, p.Pro142His (NM_001270525.2); short protein forms P134H, P142H.
Identifiers: ClinVar variation 960363 (VCV000960363.10), dbSNP rs199761861, ClinGen allele CA7200482.

ClinVar aggregate classification (germline): Uncertain significance (1 of 4 stars; one submission).

Conditions:
Anophthalmia-microphthalmia syndrome. Also called: Anophthalmia/Microphthalmia; Anophthalmia - microphthalmia. Identifiers: Orphanet 98555, MedGen C5680330, MONDO:0020147.

Allele frequency attached by ClinVar (database versions not stated): TOPMed 0.00002.
gnomAD v4.1: 23 of 1,614,004 alleles (0.0014%); highest among the groups gnomAD compares: Middle Eastern, 0.016%; no homozygotes.

Submission:

Labcorp Genetics (formerly Invitae), Labcorp
Classification: Uncertain significance for Anophthalmia-microphthalmia syndrome. Last evaluated: 2023-11-06. Review status: criteria provided, single submitter. Criteria: Invitae Variant Classification Sherloc (09022015). Collection method: clinical testing. Allele origin: germline.
Comment: This sequence change replaces proline, which is neutral and non-polar, with histidine, which is basic and polar, at codon 134 of the OTX2 protein (p.Pro134His). This variant is present in population databases (rs199761861, gnomAD 0.006%). This variant has not been reported in the literature in individuals affected with OTX2-related conditions. ClinVar contains an entry for this variant (Variation ID: 960363). An algorithm developed to predict the effect of missense changes on protein structure and function (PolyPhen-2) suggests that this variant is likely to be disruptive. In summary, the available evidence is currently insufficient to determine the role of this variant in disease. Therefore, it has been classified as a Variant of Uncertain Significance.